The following is an entry in ClinVar:

NM_018489.3(ASH1L):c.7496A>G (p.Tyr2499Cys)

Gene: ASH1L (ASH1 like histone lysine methyltransferase; minus strand). Cytogenetic location: 1q22.
Variant type: single nucleotide variant.
Coding change: c.7496A>G on transcript NM_018489.3 (MANE Select); coding-DNA position 7496, A replaced by G.
Protein change: p.Tyr2499Cys; replaces tyrosine 2499 with cysteine.
Molecular consequence: missense variant.
Genome position (GRCh38, 1-based): chr1:155,349,385, T>C on the plus strand (A>G on the coding strand, the complement: ASH1L is on the minus strand). VCF-style: chr1-155349385-T-C. GRCh37 (hg19) VCF-style: chr1-155319176-T-C.
Other names: c.7511A>G, p.Tyr2504Cys (NM_001366177.2); short protein forms Y2499C, Y2504C.
Identifiers: ClinVar variation 1316052 (VCV001316052.3), dbSNP rs747704331, ClinGen allele CA342741874.
Genomic context (GRCh38, chr1:155,349,385, plus strand): 5'-ACCTCAGCATTCCGAAAGACTTTGAGCATGTCAGCATCAAAAGCTTCCACTGTCTTATAG[T>C]AACCAGTGAGGATCTGCTTCTCTATGGTGATAAGATCTAGGGGATCAGAGATCTTCTCAT-3'
Protein context (NP_060959.2, residues 2489-2509): ITIEKQILTG[Tyr2499Cys]YKTVEAFDAD

ClinVar aggregate classification (germline): Uncertain significance. Review status: criteria provided, multiple submitters, no conflicts (2 of 4 stars). 2 submissions from 2 submitters: Uncertain significance (2). Last evaluated 2023-12-13.

Conditions:
Inborn genetic diseases. Identifiers: MedGen C0950123, MeSH D030342.

gnomAD v4.1: 2 of 1,614,016 alleles (0.00012%); highest among the groups gnomAD compares: Non-Finnish European, 0.00017%; no homozygotes.

Submissions (2):

Ambry Genetics
Classification: Uncertain significance for Inborn genetic diseases. Last evaluated: 2023-12-13. Review status: criteria provided, single submitter. Criteria: Ambry Variant Classification Scheme 2023. Collection method: clinical testing. Allele origin: germline.

GeneDx
Classification: Uncertain significance. Last evaluated: 2020-01-19. Review status: criteria provided, single submitter. Criteria: GeneDx Variant Classification Process June 2021. Collection method: clinical testing. Allele origin: germline. Affected: yes.
Comment: Not observed in large population cohorts (Lek et al., 2016); In silico analysis, which includes protein predictors and evolutionary conservation, supports a deleterious effect; Has not been previously published as pathogenic or benign to our knowledge